The following is an entry in ClinVar:

ClinVar aggregate classification (germline): Pathogenic (1 of 4 stars; one submission).

Conditions:
VPS13A-related neurodegenerative disease. Also called: ACANTHOCYTOSIS WITH NEUROLOGIC DISORDER; LEVINE-CRITCHLEY SYNDROME; Choreoacanthocytosis; Chorea-acanthocytosis; Choreaacanthocytosis; VPS13A Disease. Identifiers: Orphanet 2388, MedGen C0393576, MONDO:0008695, OMIM 200150.

Submission:

Myriad Genetics, Inc.
Classification: Pathogenic for VPS13A-related neurodegenerative disease. Last evaluated: 2024-05-14. Review status: criteria provided, single submitter. Criteria: Myriad Autosomal Dominant, Autosomal Recessive and X-Linked Classification Criteria (2023). Collection method: clinical testing. Allele origin: unknown.
Comment: NM_033305.2(VPS13A):c.1045_1046ins19(M349Nfs*14) is expected to be pathogenic in the context of VPS13A disease. This variant is predicted to lead to an abnormal or absent protein product due to the creation of a premature termination codon in VPS13A, a gene where loss-of-function variants are known to be pathogenic. Please note: this variant was assessed in the context of healthy population screening.

NM_033305.3(VPS13A):c.1045_1046insACTGTCTCTTATACACATC (p.Met349fs)

Gene: VPS13A (vacuolar protein sorting 13 homolog A; plus strand). Cytogenetic location: 9q21.2.
Variant type: Insertion.
Coding change: c.1045_1046insACTGTCTCTTATACACATC on transcript NM_033305.3 (MANE Select); coding-DNA positions 1045 to 1046, ACTGTCTCTTATACACATC inserted.
Protein change: p.Met349fs; shifts the reading frame from methionine 349.
Molecular consequence: frameshift variant.
Genome position: GRCh38 VCF-style: chr9-77221240-A-AACTGTCTCTTATACACATC. GRCh37 (hg19) VCF-style: chr9-79836156-A-AACTGTCTCTTATACACATC.
Other names: c.1045_1046insACTGTCTCTTATACACATC, p.Met349fs (NM_001018037.2, NM_001018038.3, NM_015186.4); short protein forms M349fs.
Identifiers: ClinVar variation 5011022 (VCV005011022.1).